The following is an entry in ClinVar:

ClinVar aggregate classification (germline): Likely benign (0 of 4 stars; one submission).

Conditions:
XIAP-related disorder. Also called: XIAP-related condition.

Submission:

PreventionGenetics, part of Exact Sciences
Classification: Likely benign for XIAP-related condition. Last evaluated: 2021-12-13. Review status: no assertion criteria provided. Collection method: clinical testing. Allele origin: germline.
Comment: This variant is classified as likely benign based on ACMG/AMP sequence variant interpretation guidelines (Richards et al. 2015 PMID: 25741868, with internal and published modifications).

NM_001167.4(XIAP):c.*5178_*5180del

Gene: XIAP (X-linked inhibitor of apoptosis; plus strand). Cytogenetic location: Xq25.
Variant type: Deletion.
Coding change: c.*5178_*5180del on transcript NM_001167.4 (MANE Select); 5178 bases downstream of the stop codon through 5180 bases downstream of the stop codon, 3 bases deleted (AAA; older notation c.*5178_*5180delAAA).
Molecular consequence: 3 prime UTR variant. On other transcripts: non-coding transcript variant (2).
Genome position (GRCh38, 1-based): chrX:123,912,359-123,912,361, AAA deleted; deleting any 3 consecutive bases within chrX:123,912,349-123,912,361 gives the same sequence; the c. name uses the placement nearest the transcript's 3' end. VCF-style (leftmost placement, unchanged base first): chrX-123912348-CAAA-C. GRCh37 (hg19) VCF-style: chrX-123046198-CAAA-C.
Other names: c.*5178_*5180del (NM_001204401.2, NM_001378590.1, NM_001378591.1 and 1 more transcripts).
Identifiers: ClinVar variation 3030905 (VCV003030905.2), dbSNP rs60841987, ClinGen allele CA10508406.
Genomic context (GRCh38, chrX:123,912,348, plus strand): 5'-ACTGTTGTTAAGCAACAGTATAACAACTATTTACATAGCATTAAGGTTGGTGCAAAAATG[CAAA>C]AAAAAAAAAAGCAATTATTTTTAAACCAACCTAATATATTGTATTAGGTATTAAAGTCAT-3'